The following is an entry in ClinVar:

NM_004204.5(PIGQ):c.1616G>A (p.Arg539His)

Gene: PIGQ (phosphatidylinositol glycan anchor biosynthesis class Q; plus strand). Cytogenetic location: 16p13.3.
Variant type: single nucleotide variant.
Coding change: c.1616G>A on transcript NM_004204.5 (MANE Select); coding-DNA position 1616, G replaced by A.
Protein change: p.Arg539His; replaces arginine 539 with histidine.
Molecular consequence: missense variant. On other transcripts: synonymous variant (1).
Genome position (GRCh38, 1-based): chr16:582,905, G>A. VCF-style: chr16-582905-G-A. GRCh37 (hg19) VCF-style: chr16-632905-G-A.
Other names: c.1554G>A, p.Pro518= (NM_148920.4); short protein forms R539H.
Identifiers: ClinVar variation 1448322 (VCV001448322.3), dbSNP rs201105616, ClinGen allele CA7780491.
Genomic context (GRCh38, chr16:582,905, plus strand): 5'-TCAGACCACCCCACTGACCGCTGCCCTTGTCCTTCCAGATAAACCCACTGCCCTACAGCC[G>A]CGTGGTGCACACCTACCGCCTCCCCAGCTGTGGCTGCCACCCCAAGCACTCCTGGGGCGC-3'
Protein context (NP_004195.2, residues 529-549): LMQINPLPYS[Arg539His]VVHTYRLPSC

ClinVar aggregate classification (germline): Uncertain significance (1 of 4 stars; one submission).

Conditions:
Epilepsy. Also called: Seizure disorder. Identifiers: MedGen C0014544, MeSH D004827, MONDO:0005027.

Allele frequency attached by ClinVar (database versions not stated): gnomAD exomes 0.00001; TOPMed 0.00001; ExAC 0.00003.
gnomAD v4.1: 45 of 1,608,440 alleles (0.0028%); highest among the groups gnomAD compares: Non-Finnish European, 0.0032%; no homozygotes.

Submission:

Labcorp Genetics (formerly Invitae), Labcorp
Classification: Uncertain significance for Epilepsy. Last evaluated: 2021-11-23. Review status: criteria provided, single submitter. Criteria: Invitae Variant Classification Sherloc (09022015). Collection method: clinical testing. Allele origin: germline.
Comment: This sequence change replaces arginine, which is basic and polar, with histidine, which is basic and polar, at codon 539 of the PIGQ protein (p.Arg539His). This variant is present in population databases (rs201105616, gnomAD 0.003%). This variant has not been reported in the literature in individuals affected with PIGQ-related conditions. Algorithms developed to predict the effect of missense changes on protein structure and function (SIFT, PolyPhen-2, Align-GVGD) all suggest that this variant is likely to be tolerated. In summary, the available evidence is currently insufficient to determine the role of this variant in disease. Therefore, it has been classified as a Variant of Uncertain Significance.